The following is an entry in ClinVar:

NM_001374353.1(GLI2):c.3638del (p.Ala1213fs)

Gene: GLI2 (GLI family zinc finger 2; plus strand). Cytogenetic location: 2q14.2.
Variant type: Deletion.
Coding change: c.3638del on transcript NM_001374353.1 (MANE Select); coding-DNA position 3638, one base deleted (C; older notation c.3638delC).
Protein change: p.Ala1213fs; shifts the reading frame from alanine 1213.
Molecular consequence: frameshift variant.
Genome position (GRCh38, 1-based): chr2:120,989,603, C deleted. VCF-style (leftmost placement, unchanged base first): chr2-120989602-GC-G. GRCh37 (hg19) VCF-style: chr2-121747178-GC-G.
Other names: c.3689delC (NM_005270.4); c.3689del, p.Ala1230fs (NM_001371271.1, NM_005270.5); c.3263del, p.Ala1088fs (NM_001374354.1); short protein forms A1230fs, A1088fs, A1213fs.
Identifiers: ClinVar variation 521961 (VCV000521961.5), dbSNP rs1553479405, ClinGen allele CA658795844.

ClinVar aggregate classification (germline): Likely pathogenic (1 of 4 stars; one submission).

Conditions:
Inborn genetic diseases. Identifiers: MedGen C0950123, MeSH D030342.

Submission:

Ambry Genetics
Classification: Likely pathogenic for Inborn genetic diseases. Last evaluated: 2026-01-06. Review status: criteria provided, single submitter. Criteria: Ambry Variant Classification Scheme 2023. Collection method: clinical testing. Allele origin: germline.
Comment: The c.3689delC (p.A1230Efs*8) alteration, located in exon 13 (coding exon 13) of the GLI2 gene, results from the deletion of one nucleotide and causes a translational frameshift with a predicted alternate stop codon after 8 amino acids. This variant is not expected to trigger nonsense-mediated mRNA decay, and impacts the last 22% of the protein. However, premature stop codons are typically deleterious in nature, the impacted region is critical for protein function, and a significant portion of the protein is affected (Ambry internal data). This variant was not reported in population-based cohorts in the Genome Aggregation Database (gnomAD). Based on the available evidence, this alteration is classified as likely pathogenic.